The following is an entry in ClinVar:

ClinVar aggregate classification (germline): Uncertain significance (1 of 4 stars; one submission).

Conditions:
Trichorhinophalangeal syndrome, type III (TRPS3). Also called: SUGIO-KAJII SYNDROME. Identifiers: Orphanet 77258, MedGen C1860823, OMIM 190351, MONDO:0008597.
Trichorhinophalangeal dysplasia type I (TRPS1). Also called: TRPS I; TRICHORHINOPHALANGEAL SYNDROME, TYPE I. Identifiers: Orphanet 77258, MedGen C0432233, MONDO:0008596, OMIM 190350.

gnomAD v4.1: 6 of 1,614,208 alleles (0.00037%); highest among the groups gnomAD compares: East Asian, 0.0022%; no homozygotes.

Submission:

Labcorp Genetics (formerly Invitae), Labcorp
Classification: Uncertain significance for Trichorhinophalangeal syndrome, type III; Trichorhinophalangeal dysplasia type I. Last evaluated: 2025-03-30. Review status: criteria provided, single submitter. Criteria: Invitae Variant Classification Sherloc (09022015). Collection method: clinical testing. Allele origin: germline.
Comment: This sequence change replaces arginine, which is basic and polar, with glutamine, which is neutral and polar, at codon 814 of the TRPS1 protein (p.Arg814Gln). This variant is present in population databases (rs146506752, gnomAD no frequency). This variant has not been reported in the literature in individuals affected with TRPS1-related conditions. ClinVar contains an entry for this variant (Variation ID: 1523271). Invitae Evidence Modeling of protein sequence and biophysical properties (such as structural, functional, and spatial information, amino acid conservation, physicochemical variation, residue mobility, and thermodynamic stability) indicates that this missense variant is not expected to disrupt TRPS1 protein function with a negative predictive value of 80%. In summary, the available evidence is currently insufficient to determine the role of this variant in disease. Therefore, it has been classified as a Variant of Uncertain Significance.

NM_014112.5(TRPS1):c.2441G>A (p.Arg814Gln)

Gene: TRPS1 (transcriptional repressor GATA binding 1; minus strand). Cytogenetic location: 8q23.3.
Variant type: single nucleotide variant.
Coding change: c.2441G>A on transcript NM_014112.5 (MANE Select); coding-DNA position 2441, G replaced by A.
Protein change: p.Arg814Gln; replaces arginine 814 with glutamine.
Molecular consequence: missense variant.
Genome position (GRCh38, 1-based): chr8:115,587,260, C>T on the plus strand (G>A on the coding strand, the complement: TRPS1 is on the minus strand). VCF-style: chr8-115587260-C-T. GRCh37 (hg19) VCF-style: chr8-116599487-C-T.
Other names: c.2414G>A, p.Arg805Gln (NM_001282902.3); c.2420G>A, p.Arg807Gln (NM_001282903.3); c.2402G>A, p.Arg801Gln (NM_001330599.2); short protein forms R807Q, R814Q, R801Q, R805Q.
Identifiers: ClinVar variation 1523271 (VCV001523271.8), dbSNP rs146506752, ClinGen allele CA4851665.